The following is an entry in ClinVar:

ClinVar aggregate classification (germline): Uncertain significance. Review status: criteria provided, multiple submitters, no conflicts (2 of 4 stars). 2 submissions from 2 submitters: Uncertain significance (2). Last evaluated 2024-09-06.

Allele frequency attached by ClinVar (database versions not stated): gnomAD exomes below 0.00001.
gnomAD v4.1: 3 of 1,613,620 alleles (0.00019%); highest among the groups gnomAD compares: Non-Finnish European, 0.00025%; no homozygotes.

Submissions (2):

Blueprint Genetics
Classification: Uncertain significance. Last evaluated: 2024-09-06. Review status: criteria provided, single submitter. Criteria: ACMG Guidelines, 2015. Collection method: clinical testing. Allele origin: germline.

Labcorp Genetics (formerly Invitae), Labcorp
Classification: Uncertain significance. Last evaluated: 2020-12-30. Review status: criteria provided, single submitter. Criteria: Invitae Variant Classification Sherloc (09022015). Collection method: clinical testing. Allele origin: germline.
Comment: In summary, the available evidence is currently insufficient to determine the role of this variant in disease. Therefore, it has been classified as a Variant of Uncertain Significance. Algorithms developed to predict the effect of missense changes on protein structure and function (SIFT, PolyPhen-2, Align-GVGD) all suggest that this variant is likely to be tolerated, but these predictions have not been confirmed by published functional studies and their clinical significance is uncertain. This variant has not been reported in the literature in individuals with TSPAN12-related conditions. This variant is not present in population databases (ExAC no frequency). This sequence change replaces arginine with serine at codon 184 of the TSPAN12 protein (p.Arg184Ser). The arginine residue is moderately conserved and there is a moderate physicochemical difference between arginine and serine.

NM_012338.4(TSPAN12):c.552A>C (p.Arg184Ser)

Gene: TSPAN12 (tetraspanin 12; minus strand). Cytogenetic location: 7q31.31.
Variant type: single nucleotide variant.
Coding change: c.552A>C on transcript NM_012338.4 (MANE Select); coding-DNA position 552, A replaced by C.
Protein change: p.Arg184Ser; replaces arginine 184 with serine.
Molecular consequence: missense variant.
Genome position (GRCh38, 1-based): chr7:120,806,609, T>G on the plus strand (A>C on the coding strand, the complement: TSPAN12 is on the minus strand). VCF-style: chr7-120806609-T-G. GRCh37 (hg19) VCF-style: chr7-120446663-T-G.
Other names: short protein forms R184S.
Identifiers: ClinVar variation 1468949 (VCV001468949.9), dbSNP rs1276419444, ClinGen allele CA369136212.
Genomic context (GRCh38, chr7:120,806,609, plus strand): 5'-CTCTTGATAAAGGTCACTGAGATCTTCCTGGTGGGCCTGTTTGGAACATCCTGGGAATTC[T>G]CTAACACAGCAGGAATCTGGGGGCCAGTCCATCTCTGTCATTTCCAACCAGTCAGTGAAA-3'
Protein context (NP_036470.1, residues 174-194): MDWPPDSCCV[Arg184Ser]EFPGCSKQAH